The following is an entry in ClinVar:

ClinVar aggregate classification (germline): Uncertain significance (1 of 4 stars; one submission).

Allele frequency attached by ClinVar (database versions not stated): gnomAD 0.00001; TOPMed 0.00001.
gnomAD v4.1: 2 of 1,613,402 alleles (0.00012%); highest among the groups gnomAD compares: African/African-American, 0.0027%; no homozygotes.

Submission:

Labcorp Genetics (formerly Invitae), Labcorp
Classification: Uncertain significance. Last evaluated: 2023-10-24. Review status: criteria provided, single submitter. Criteria: Invitae Variant Classification Sherloc (09022015). Collection method: clinical testing. Allele origin: germline.
Comment: This sequence change replaces arginine, which is basic and polar, with threonine, which is neutral and polar, at codon 307 of the MAFB protein (p.Arg307Thr). This variant is not present in population databases (gnomAD no frequency). This variant has not been reported in the literature in individuals affected with MAFB-related conditions. Advanced modeling of protein sequence and biophysical properties (such as structural, functional, and spatial information, amino acid conservation, physicochemical variation, residue mobility, and thermodynamic stability) performed at Invitae indicates that this missense variant is not expected to disrupt MAFB protein function with a negative predictive value of 80%. In summary, the available evidence is currently insufficient to determine the role of this variant in disease. Therefore, it has been classified as a Variant of Uncertain Significance.

NM_005461.5(MAFB):c.920G>C (p.Arg307Thr)

Gene: MAFB (MAF bZIP transcription factor B; minus strand). Cytogenetic location: 20q12.
Variant type: single nucleotide variant.
Coding change: c.920G>C on transcript NM_005461.5 (MANE Select); coding-DNA position 920, G replaced by C.
Protein change: p.Arg307Thr; replaces arginine 307 with threonine.
Molecular consequence: missense variant.
Genome position (GRCh38, 1-based): chr20:40,687,931, C>G on the plus strand (G>C on the coding strand, the complement: MAFB is on the minus strand). VCF-style: chr20-40687931-C-G. GRCh37 (hg19) VCF-style: chr20-39316571-C-G.
Other names: short protein forms R307T.
Identifiers: ClinVar variation 2808700 (VCV002808700.3), dbSNP rs1345851468, ClinGen allele CA408940102.